The following is an entry in ClinVar:

NM_006030.4(CACNA2D2):c.2836G>A (p.Gly946Ser)

Genes: CACNA2D2 (calcium voltage-gated channel auxiliary subunit alpha2delta 2; minus strand), LOC101928965 (uncharacterized LOC101928965; plus strand), LOC127898564 (CYB561D2-LOC101928965; plus strand). Cytogenetic location: 3p21.31.
Variant type: single nucleotide variant.
Coding change: c.2836G>A on transcript NM_006030.4 (MANE Select); coding-DNA position 2836, G replaced by A.
Protein change: p.Gly946Ser; replaces glycine 946 with serine.
Molecular consequence: missense variant.
Genome position (GRCh38, 1-based): chr3:50,366,037, C>T on the plus strand (G>A on the coding strand, the complement: CACNA2D2 is on the minus strand). VCF-style: chr3-50366037-C-T. GRCh37 (hg19) VCF-style: chr3-50403468-C-T.
Other names: c.2836G>A, p.Gly946Ser (NM_001005505.3); c.2857G>A, p.Gly953Ser (NM_001174051.3); c.2629G>A, p.Gly877Ser (NM_001291101.1); short protein forms G877S, G946S, G953S.
Identifiers: ClinVar variation 1055151 (VCV001055151.6), dbSNP rs2109402396, ClinGen allele CA352904364.
Genomic context (GRCh38, chr3:50,366,037, plus strand): 5'-CCCATCTCCAGTCCAGGCATCTCTGGGGACTCACCACAAAGACACCCCGGGGTGCAGCAC[C>T]CAGGTTGCCAGGGGGCTGAGGGGCACAGGCTGCCTGATAGTCATAGGACTCCTTGCGGGT-3'
Protein context (NP_006021.2, residues 936-956): ACAPQPPGNL[Gly946Ser]AAPRGVFVPT

ClinVar aggregate classification (germline): Uncertain significance (1 of 4 stars; one submission).

Conditions:
Early-infantile DEE. Also called: Ohtahara syndrome; Early infantile epileptic encephalopathy with suppression bursts; Early infantile epileptic encephalopathy. Identifiers: Orphanet 1934, MedGen C0393706, MONDO:0800491.

Submission:

Labcorp Genetics (formerly Invitae), Labcorp
Classification: Uncertain significance for Early-infantile DEE. Last evaluated: 2023-07-17. Review status: criteria provided, single submitter. Criteria: Invitae Variant Classification Sherloc (09022015). Collection method: clinical testing. Allele origin: germline.
Comment: This variant is not present in population databases (gnomAD no frequency). In summary, the available evidence is currently insufficient to determine the role of this variant in disease. Therefore, it has been classified as a Variant of Uncertain Significance. An algorithm developed to predict the effect of missense changes on protein structure and function (PolyPhen-2) suggests that this variant is likely to be disruptive. ClinVar contains an entry for this variant (Variation ID: 1055151). This variant has not been reported in the literature in individuals affected with CACNA2D2-related conditions. This sequence change replaces glycine, which is neutral and non-polar, with serine, which is neutral and polar, at codon 946 of the CACNA2D2 protein (p.Gly946Ser).